The following is an entry in ClinVar:

ClinVar aggregate classification (germline): Benign/Likely benign. Review status: criteria provided, multiple submitters, no conflicts (2 of 4 stars). 3 submissions from 3 submitters: Benign (1); Likely benign (2). Last evaluated 2026-09-01.

Allele frequency attached by ClinVar (database versions not stated): gnomAD 0.00195 and 0.00187; 1000 Genomes Project 0.00200; 1000 Genomes Project 30x 0.00203; gnomAD exomes 0.00217 and 0.00276; ESP Exome Variant Server 0.00246; ExAC 0.00253; TOPMed 0.00180.
gnomAD v4.1: 4,326 of 1,614,244 alleles (0.27%); highest among the groups gnomAD compares: Non-Finnish European, 0.32%; 10 homozygotes.

Submissions (3):

CeGaT Center for Human Genetics Tuebingen
Classification: Benign. Last evaluated: 2026-09-01. Review status: criteria provided, single submitter. Criteria: CeGaT Center For Human Genetics Tuebingen Variant Classification Criteria Version 2. Collection method: clinical testing. Allele origin: germline. Affected: yes. Observed: 5 variant alleles.
Comment: SPRY4: BS1, BS2

Labcorp Genetics (formerly Invitae), Labcorp
Classification: Likely benign. Last evaluated: 2025-11-10. Review status: criteria provided, single submitter. Criteria: Invitae Variant Classification Sherloc (09022015). Collection method: clinical testing. Allele origin: germline.

Breakthrough Genomics
Classification: Likely benign. Review status: criteria provided, single submitter. Criteria: ACMG Guidelines, 2015. Collection method: not provided. Allele origin: germline. Inheritance: Autosomal dominant inheritance. Affected: yes.

NM_001127496.3(SPRY4):c.557G>A (p.Cys186Tyr)

Gene: SPRY4 (sprouty RTK signaling antagonist 4; minus strand). Cytogenetic location: 5q31.3.
Variant type: single nucleotide variant.
Coding change: c.557G>A on transcript NM_001127496.3 (MANE Select); coding-DNA position 557, G replaced by A.
Protein change: p.Cys186Tyr; replaces cysteine 186 with tyrosine.
Molecular consequence: missense variant.
Genome position (GRCh38, 1-based): chr5:142,314,552, C>T on the plus strand (G>A on the coding strand, the complement: SPRY4 is on the minus strand). VCF-style: chr5-142314552-C-T. GRCh37 (hg19) VCF-style: chr5-141694117-C-T.
Other names: c.557G>A, p.Cys186Tyr (NM_001293289.3, NM_001293290.3); c.626G>A, p.Cys209Tyr (NM_030964.5); short protein forms C186Y, C209Y.
Identifiers: ClinVar variation 727536 (VCV000727536.36), dbSNP rs148983803, ClinGen allele CA3485517.
Genomic context (GRCh38, chr5:142,314,552, plus strand): 5'-ATGCCCTGCACCAAACACATGCACGTGCCATAGTTGACCAGAGTCTGGGCTGAGCACAGG[C>T]ACTCCTGGTTGCAGACCCAGCAGGAAGGCAACGTCCGGGGGGATGCACACTCCTTGCATT-3'
Protein context (NP_001120968.1, residues 176-196): LPSCWVCNQE[Cys186Tyr]LCSAQTLVNY